The following is an entry in ClinVar:

NM_001164665.2(KIAA1549):c.3070C>T (p.Arg1024Cys)

Gene: KIAA1549 (KIAA1549; minus strand). Cytogenetic location: 7q34.
Variant type: single nucleotide variant.
Coding change: c.3070C>T on transcript NM_001164665.2 (MANE Select); coding-DNA position 3070, C replaced by T.
Protein change: p.Arg1024Cys; replaces arginine 1024 with cysteine.
Molecular consequence: missense variant.
Genome position (GRCh38, 1-based): chr7:138,911,221, G>A on the plus strand (C>T on the coding strand, the complement: KIAA1549 is on the minus strand). VCF-style: chr7-138911221-G-A. GRCh37 (hg19) VCF-style: chr7-138595967-G-A.
Other names: c.3070C>T, p.Arg1024Cys (NM_020910.3); short protein forms R1024C.
Identifiers: ClinVar variation 1046136 (VCV001046136.8), dbSNP rs745323375, ClinGen allele CA4506324.

ClinVar aggregate classification (germline): Uncertain significance. Review status: criteria provided, multiple submitters, no conflicts (2 of 4 stars). 4 submissions from 4 submitters: Uncertain significance (4). Last evaluated 2024-09-17.

Conditions:
Retinal dystrophy. Also called: Inherited retinal dystrophy. Identifiers: Orphanet 71862, MedGen C0854723, MeSH D058499, MONDO:0019118, HP:0000556.

Allele frequency attached by ClinVar (database versions not stated): ExAC below 0.00001; gnomAD 0.00001 and 0.00003; TOPMed 0.00002; gnomAD exomes 0.00003.
gnomAD v4.1: 61 of 1,599,718 alleles (0.0038%); highest among the groups gnomAD compares: Middle Eastern, 0.17%; 1 homozygote.

Submissions (4):

Blueprint Genetics
Classification: Uncertain significance. Last evaluated: 2024-09-17. Review status: criteria provided, single submitter. Criteria: ACMG Guidelines, 2015. Collection method: clinical testing. Allele origin: germline.

Dept Of Ophthalmology, Nagoya University
Classification: Uncertain significance for Retinal dystrophy. Last evaluated: 2023-10-01. Review status: criteria provided, single submitter. Criteria: Submitter's publication. Collection method: research. Allele origin: germline. Affected: yes.

Labcorp Genetics (formerly Invitae), Labcorp
Classification: Uncertain significance. Last evaluated: 2022-09-07. Review status: criteria provided, single submitter. Criteria: Invitae Variant Classification Sherloc (09022015). Collection method: clinical testing. Allele origin: germline.
Comment: This sequence change replaces arginine, which is basic and polar, with cysteine, which is neutral and slightly polar, at codon 1024 of the KIAA1549 protein (p.Arg1024Cys). The frequency data for this variant in the population databases is considered unreliable, as metrics indicate poor data quality at this position in the gnomAD database. This variant has not been reported in the literature in individuals affected with KIAA1549-related conditions. ClinVar contains an entry for this variant (Variation ID: 1046136). Algorithms developed to predict the effect of missense changes on protein structure and function are either unavailable or do not agree on the potential impact of this missense change (SIFT: "Deleterious"; PolyPhen-2: "Probably Damaging"; Align-GVGD: "Class C0"). In summary, the available evidence is currently insufficient to determine the role of this variant in disease. Therefore, it has been classified as a Variant of Uncertain Significance.

Breakthrough Genomics
Classification: Uncertain significance. Review status: criteria provided, single submitter. Criteria: ACMG Guidelines, 2015. Collection method: not provided. Allele origin: germline. Inheritance: Autosomal recessive inheritance. Affected: yes.